The following is an entry in ClinVar:

ClinVar aggregate classification (germline): Pathogenic (1 of 4 stars; one submission).

Submission:

Labcorp Genetics (formerly Invitae), Labcorp
Classification: Pathogenic. Last evaluated: 2022-02-08. Review status: criteria provided, single submitter. Criteria: Invitae Variant Classification Sherloc (09022015). Collection method: clinical testing. Allele origin: germline.
Comment: For these reasons, this variant has been classified as Pathogenic. Algorithms developed to predict the effect of sequence changes on RNA splicing suggest that this variant may disrupt the consensus splice site. Disruption of this splice site has been observed in individual(s) with X-linked retinoschisis (Invitae). This variant is not present in population databases (gnomAD no frequency). This sequence change affects an acceptor splice site in intron 2 of the RS1 gene. It is expected to disrupt RNA splicing. Variants that disrupt the donor or acceptor splice site typically lead to a loss of protein function (PMID: 16199547), and loss-of-function variants in RS1 are known to be pathogenic (PMID: 9618178, 17172462).

Literature cited by the submitters: PubMed 16199547; PubMed 9618178; PubMed 17172462.

NM_000330.4(RS1):c.79-1G>A

Gene: RS1 (retinoschisin 1; minus strand). Cytogenetic location: Xp22.13.
Variant type: single nucleotide variant.
Coding change: c.79-1G>A on transcript NM_000330.4 (MANE Select); the canonical splice acceptor site of the intron before coding-DNA position 79, G replaced by A.
Molecular consequence: splice acceptor variant.
Genome position (GRCh38, 1-based): chrX:18,656,759, C>T on the plus strand (G>A on the coding strand, the complement: RS1 is on the minus strand). VCF-style: chrX-18656759-C-T. GRCh37 (hg19) VCF-style: chrX-18674879-C-T.
Identifiers: ClinVar variation 2095068 (VCV002095068.4), dbSNP rs2518937939, ClinGen allele CA412376688.